The following is an entry in ClinVar:

NM_003924.4(PHOX2B):c.868C>G (p.Pro290Ala)

Gene: PHOX2B (paired like homeobox 2B; minus strand). Cytogenetic location: 4p13.
Variant type: single nucleotide variant.
Coding change: c.868C>G on transcript NM_003924.4 (MANE Select); coding-DNA position 868, C replaced by G.
Protein change: p.Pro290Ala; replaces proline 290 with alanine.
Molecular consequence: missense variant.
Genome position (GRCh38, 1-based): chr4:41,745,884, G>C on the plus strand (C>G on the coding strand, the complement: PHOX2B is on the minus strand). VCF-style: chr4-41745884-G-C. GRCh37 (hg19) VCF-style: chr4-41747901-G-C.
Other names: short protein forms P290A.
Identifiers: ClinVar variation 1443883 (VCV001443883.8), dbSNP rs2153112737, ClinGen allele CA356736931.

ClinVar aggregate classification (germline): Uncertain significance (1 of 4 stars; one submission).

Conditions:
Haddad syndrome (OHD). Also called: Ondine-Hirschsprung disease. Identifiers: Orphanet 99803, MedGen C1859049, MONDO:0020493.

gnomAD v4.1: 1 of 1,608,784 alleles (0.000062%); highest among the groups gnomAD compares: South Asian, 0.0011%; no homozygotes.

Submission:

Labcorp Genetics (formerly Invitae), Labcorp
Classification: Uncertain significance for Haddad syndrome. Last evaluated: 2021-02-17. Review status: criteria provided, single submitter. Criteria: Invitae Variant Classification Sherloc (09022015). Collection method: clinical testing. Allele origin: germline.
Comment: Algorithms developed to predict the effect of missense changes on protein structure and function are either unavailable or do not agree on the potential impact of this missense change (SIFT: "Deleterious"; PolyPhen-2: "Not Available"; Align-GVGD: "Class C0"). This variant has not been reported in the literature in individuals with PHOX2B-related conditions. This variant is not present in population databases (ExAC no frequency). This sequence change replaces proline with alanine at codon 290 of the PHOX2B protein (p.Pro290Ala). The proline residue is highly conserved and there is a small physicochemical difference between proline and alanine. In summary, the available evidence is currently insufficient to determine the role of this variant in disease. Therefore, it has been classified as a Variant of Uncertain Significance.